The following is an entry in ClinVar:

NM_024577.4(SH3TC2):c.995C>T (p.Ser332Phe)

Gene: SH3TC2 (SH3 domain and tetratricopeptide repeats 2; minus strand). Cytogenetic location: 5q32.
Variant type: single nucleotide variant.
Coding change: c.995C>T on transcript NM_024577.4 (MANE Select); coding-DNA position 995, C replaced by T.
Protein change: p.Ser332Phe; replaces serine 332 with phenylalanine.
Molecular consequence: missense variant.
Genome position (GRCh38, 1-based): chr5:149,038,301, G>A on the plus strand (C>T on the coding strand, the complement: SH3TC2 is on the minus strand). VCF-style: chr5-149038301-G-A. GRCh37 (hg19) VCF-style: chr5-148417864-G-A.
Other names: short protein forms S332F.
Identifiers: ClinVar variation 4847319 (VCV004847319.1).

ClinVar aggregate classification (germline): Uncertain significance (1 of 4 stars; one submission).

gnomAD v4.1: 3 of 1,613,880 alleles (0.00019%); highest among the groups gnomAD compares: Admixed American, 0.005%; no homozygotes.

Submission:

Women's Health and Genetics/Laboratory Corporation of America, LabCorp
Classification: Uncertain significance. Last evaluated: 2026-03-11. Review status: criteria provided, single submitter. Criteria: LabCorp Variant Classification Summary - May 2015. Collection method: clinical testing. Allele origin: germline.
Comment: Variant summary: SH3TC2 c.995C>T (p.Ser332Phe) results in a non-conservative amino acid change in the encoded protein sequence. Algorithms developed to predict the effect of missense changes on protein structure and function are either unavailable or do not agree on the potential impact of this missense change. The variant allele was found at a frequency of 8e-06 in 251370 control chromosomes. The available data on variant occurrences in the general population are insufficient to allow any conclusion about variant significance. To our knowledge, no occurrence of c.995C>T in individuals affected with SH3TC2-related conditions and no experimental evidence demonstrating its impact on protein function have been reported. No submitters have cited clinical-significance assessments for this variant to ClinVar. Based on the evidence outlined above, the variant was classified as uncertain significance.